The following is an entry in ClinVar:

NM_015512.5(DNAH1):c.6211C>T (p.Leu2071Phe)

Gene: DNAH1 (dynein axonemal heavy chain 1; plus strand). Cytogenetic location: 3p21.1.
Variant type: single nucleotide variant.
Coding change: c.6211C>T on transcript NM_015512.5 (MANE Select); coding-DNA position 6211, C replaced by T.
Protein change: p.Leu2071Phe; replaces leucine 2071 with phenylalanine.
Molecular consequence: missense variant.
Genome position (GRCh38, 1-based): chr3:52,370,182, C>T. VCF-style: chr3-52370182-C-T. GRCh37 (hg19) VCF-style: chr3-52404198-C-T.
Other names: short protein forms L2071F.
Identifiers: ClinVar variation 2579824 (VCV002579824.1), dbSNP rs2471229953, ClinGen allele CA353157644.
Genomic context (GRCh38, chr3:52,370,182, plus strand): 5'-TTCGTTCGGTCCTCAGTGAAGGAGGTGATCGCCTCAACCAACTGCAACCTGACCATGAGC[C>T]TCCTCAAGCTGCTGGACTGCTTCTTCAAGCCCTTTCTGCCTAGAGAGGTACAGCCCTGAG-3'
Protein context (NP_056327.4, residues 2061-2081): ASTNCNLTMS[Leu2071Phe]LKLLDCFFKP

ClinVar aggregate classification (germline): Uncertain significance (1 of 4 stars; one submission).

Allele frequency attached by ClinVar (database versions not stated): gnomAD exomes below 0.00001.
gnomAD v4.1: 2 of 1,614,016 alleles (0.00012%); highest among the groups gnomAD compares: Non-Finnish European, 0.00017%; no homozygotes.

Submission:

GeneDx
Classification: Uncertain significance. Last evaluated: 2023-03-09. Review status: criteria provided, single submitter. Criteria: GeneDx Variant Classification Process June 2021. Collection method: clinical testing. Allele origin: germline. Affected: yes.
Comment: Not observed at significant frequency in large population cohorts (gnomAD); In silico analysis supports that this missense variant does not alter protein structure/function; Has not been previously published as pathogenic or benign to our knowledge